The following is an entry in ClinVar:

NM_199242.3(UNC13D):c.335G>C (p.Cys112Ser)

Gene: UNC13D (unc-13 homolog D; minus strand). Cytogenetic location: 17q25.1.
Variant type: single nucleotide variant.
Coding change: c.335G>C on transcript NM_199242.3 (MANE Select); coding-DNA position 335, G replaced by C.
Protein change: p.Cys112Ser; replaces cysteine 112 with serine.
Molecular consequence: missense variant.
Genome position (GRCh38, 1-based): chr17:75,842,910, C>G on the plus strand (G>C on the coding strand, the complement: UNC13D is on the minus strand). VCF-style: chr17-75842910-C-G. GRCh37 (hg19) VCF-style: chr17-73838991-C-G.
Other names: short protein forms C112S.
Identifiers: ClinVar variation 836007 (VCV000836007.9), dbSNP rs141540493, ClinGen allele CA8773512.

ClinVar aggregate classification (germline): Uncertain significance. Review status: criteria provided, multiple submitters, no conflicts (2 of 4 stars). 2 submissions from 2 submitters: Uncertain significance (2). Last evaluated 2025-01-18.

Conditions:
Familial hemophagocytic lymphohistiocytosis 3 (FHL3). Also called: UNC13D-Related Familial Hemophagocytic Lymphohistiocytosis (UNC13D-fHLH). Identifiers: Orphanet 540, MedGen C1837174, MONDO:0012146, OMIM 608898.

Allele frequency attached by ClinVar (database versions not stated): ExAC 0.00003; gnomAD exomes 0.00003; gnomAD 0.00004; TOPMed 0.00006; ESP Exome Variant Server 0.00015.
gnomAD v4.1: 87 of 1,613,486 alleles (0.0054%); highest among the groups gnomAD compares: Non-Finnish European, 0.0069%; no homozygotes.

Submissions (2):

Labcorp Genetics (formerly Invitae), Labcorp
Classification: Uncertain significance for Familial hemophagocytic lymphohistiocytosis 3. Last evaluated: 2025-01-18. Review status: criteria provided, single submitter. Criteria: Invitae Variant Classification Sherloc (09022015). Collection method: clinical testing. Allele origin: germline.
Comment: This sequence change replaces cysteine, which is neutral and slightly polar, with serine, which is neutral and polar, at codon 112 of the UNC13D protein (p.Cys112Ser). This variant is present in population databases (rs141540493, gnomAD 0.007%). This missense change has been observed in individual(s) with autoimmune lymphoproliferative syndrome (PMID: 23840885). ClinVar contains an entry for this variant (Variation ID: 836007). Invitae Evidence Modeling of protein sequence and biophysical properties (such as structural, functional, and spatial information, amino acid conservation, physicochemical variation, residue mobility, and thermodynamic stability) indicates that this missense variant is not expected to disrupt UNC13D protein function with a negative predictive value of 80%. Experimental studies have shown that this missense change affects UNC13D function (PMID: 23840885). In summary, the available evidence is currently insufficient to determine the role of this variant in disease. Therefore, it has been classified as a Variant of Uncertain Significance.

Women's Health and Genetics/Laboratory Corporation of America, LabCorp
Classification: Uncertain significance. Last evaluated: 2022-03-30. Review status: criteria provided, single submitter. Criteria: LabCorp Variant Classification Summary - May 2015. Collection method: clinical testing. Allele origin: germline.
Comment: Variant summary: UNC13D c.335G>C (p.Cys112Ser) results in a non-conservative amino acid change located in the C2 domain (IPR000008) of the encoded protein sequence. Four of five in-silico tools predict a damaging effect of the variant on protein function. The variant allele was found at a frequency of 3.2e-05 in 251516 control chromosomes (gnomAD and publication data). The available data on variant occurrences in the general population are insufficient to allow any conclusion about variant significance. c.335G>C has been reported in the literature in individuals affected with autoimmune lymphoproliferative syndrome and primary immunodeficiencies (Arico_2013, Gallo_2016). These reports do not provide unequivocal conclusions about association of the variant with Familial Hemophagocytic Lymphohistiocytosis. At least one functional study reports this variant has an impact on UNC13D protein function and results in increasing CD63 expression on the cell surface (Arico_2013). One ClinVar submitter (evaluation after 2014) cites the variant as uncertain significance. Based on the evidence outlined above, the variant was classified as uncertain significance.

Literature cited by the submitters: PubMed 23840885 (cited by Labcorp Genetics (formerly Invitae), Labcorp and Women's Health and Genetics/Laboratory Corporation of America, LabCorp); PubMed 27872624 (cited by Women's Health and Genetics/Laboratory Corporation of America, LabCorp); PubMed 29864493 (cited by Women's Health and Genetics/Laboratory Corporation of America, LabCorp).